The following is an entry in ClinVar:

ClinVar aggregate classification (germline): Uncertain significance (1 of 4 stars; one submission).

Conditions:
Congenital contractural arachnodactyly (CCA). Also called: BEALS SYNDROME; Beals-Hecht syndrome; Arthrogryposis, distal, type 9. Identifiers: Orphanet 115, MedGen C0220668, MONDO:0007363, OMIM 121050.

Submission:

Labcorp Genetics (formerly Invitae), Labcorp
Classification: Uncertain significance for Congenital contractural arachnodactyly. Last evaluated: 2025-10-25. Review status: criteria provided, single submitter. Criteria: Invitae Variant Classification Sherloc (09022015). Collection method: clinical testing. Allele origin: germline.
Comment: This sequence change replaces glycine, which is neutral and non-polar, with alanine, which is neutral and non-polar, at codon 2078 of the FBN2 protein (p.Gly2078Ala). This variant is present in population databases (no rsID available, gnomAD no frequency). This variant has not been reported in the literature in individuals affected with FBN2-related conditions. ClinVar contains an entry for this variant (Variation ID: 1023767). Invitae Evidence Modeling of protein sequence and biophysical properties (such as structural, functional, and spatial information, amino acid conservation, physicochemical variation, residue mobility, and thermodynamic stability) indicates that this missense variant is not expected to disrupt FBN2 protein function with a negative predictive value of 80%. In summary, the available evidence is currently insufficient to determine the role of this variant in disease. Therefore, it has been classified as a Variant of Uncertain Significance.

NM_001999.4(FBN2):c.6233G>C (p.Gly2078Ala)

Gene: FBN2 (fibrillin 2; minus strand). Cytogenetic location: 5q23.3.
Variant type: single nucleotide variant.
Coding change: c.6233G>C on transcript NM_001999.4 (MANE Select); coding-DNA position 6233, G replaced by C.
Protein change: p.Gly2078Ala; replaces glycine 2078 with alanine.
Molecular consequence: missense variant.
Genome position (GRCh38, 1-based): chr5:128,291,588, C>G on the plus strand (G>C on the coding strand, the complement: FBN2 is on the minus strand). VCF-style: chr5-128291588-C-G. GRCh37 (hg19) VCF-style: chr5-127627280-C-G.
Other names: short protein forms G2078A.
Identifiers: ClinVar variation 1023767 (VCV001023767.9), dbSNP rs753305406, ClinGen allele CA360764452.